The following is an entry in ClinVar:

ClinVar aggregate classification (germline): Conflicting classifications of pathogenicity. Review status: criteria provided, conflicting classifications (1 of 4 stars). 11 submissions from 11 submitters: Likely pathogenic (1); Uncertain significance (8). 2 of the submissions do not count toward it. Last evaluated 2025-07-17.

Conditions:
Autosomal recessive juvenile Parkinson disease 2. Also called: PARKINSON DISEASE, JUVENILE, AUTOSOMAL RECESSIVE; Parkinson disease autosomal recessive, early onset; Juvenile parkinsonism; Parkinsonism, early onset, with diurnal fluctuation; PRKN-Related Early-Onset Parkinson Disease; Parkinson disease, juvenile, type 2. Identifiers: Orphanet 2828, MedGen C1868675, MONDO:0010820, OMIM 600116.

Allele frequency attached by ClinVar (database versions not stated): ESP Exome Variant Server 0.00038; ExAC 0.00040; gnomAD exomes 0.00042; TOPMed 0.00045; gnomAD 0.00046 and 0.00047; 1000 Genomes Project 30x 0.00047; 1000 Genomes Project 0.00060.
gnomAD v4.1: 973 of 1,614,074 alleles (0.06%); highest among the groups gnomAD compares: Non-Finnish European, 0.072%; 1 homozygote.

Submissions (11):

Women's Health and Genetics/Laboratory Corporation of America, LabCorp
Classification: Uncertain significance. Last evaluated: 2025-07-17. Review status: criteria provided, single submitter. Criteria: LabCorp Variant Classification Summary - May 2015. Collection method: clinical testing. Allele origin: germline.
Comment: Variant summary: PRKN c.766C>T (p.Arg256Cys) results in a non-conservative amino acid change in the encoded protein sequence. Algorithms developed to predict the effect of missense changes on protein structure and function all suggest that this variant is likely to be disruptive. The variant allele was found at a frequency of 0.0006 in 1608012 control chromosomes, predominantly at a frequency of 0.00072 within the Non-Finnish European subpopulation in the gnomAD database, including 1 homozygotes. This frequency is not significantly higher than estimated for a pathogenic variant in PRKN causing Autosomal Recessive Juvenile Parkinson Disease 2, allowing no conclusion about variant significance. c.766C>T has been observed in heterozygous genotype in individuals affected with Autosomal Recessive Juvenile Parkinson Disease 2 (Abbas_1999, Oliveira_2003, Pankratz_2009). However, this variant has also been observed in normal individuals (Oliveira_2003, Pankratz_2009). These report(s) do not provide unequivocal conclusions about association of the variant with Autosomal Recessive Juvenile Parkinson Disease 2. Three publications report experimental evidence evaluating an impact on protein function (Cookson_2003, Sriram_2005, Fiesel_2015). These results showed conflicating results in the effect of this variant on protein function. The following publications have been ascertained in the context of this evaluation (PMID: 10072423, 14519684, 25939424, 12730996, 19636047, 16049031, 30994895). ClinVar contains an entry for this variant (Variation ID: 574874). Based on the evidence outlined above, the variant was classified as uncertain significance.

GeneDx
Classification: Uncertain significance. Last evaluated: 2025-07-02. Review status: criteria provided, single submitter. Criteria: GeneDx Variant Classification Process June 2021. Collection method: clinical testing. Allele origin: germline. Affected: yes.
Comment: Reported in an individual with Parkinson disease and in a control individual; however, additional information was not provided (PMID: 19636047); Reported in two siblings with Parkinson disease who were heterozygous for R256C and did not have another identifiable PRKN variant; however, information regarding parental testing was not available (PMID: 10072423); Conflicting evidence has been reported regarding the effect of this variant on protein function and structure (PMID: 14519684, 25591737, 25939424); In silico analysis supports that this missense variant has a deleterious effect on protein structure/function; This variant is associated with the following publications: (PMID: 25640678, 12730996, 16049031, 16714300, 14519684, 19801972, 25591737, 25939424, 18248610, 16367892, 32870915, 34434164, 33045815, 29887346, 35640906, Pandey2023, 12764050, 12116199, 11971093, 30994895, 34426522, 32970363, 19050041, 15823482, 15816865, 12588799, 20558392, 19405094, 39117722, 38173558, 19636047, 10072423)

Mayo Clinic Laboratories, Mayo Clinic
Classification: Uncertain significance. Last evaluated: 2025-06-26. Review status: criteria provided, single submitter. Criteria: ACMG Guidelines, 2015. Collection method: clinical testing. Allele origin: germline. Observed: 1 variant allele.
Comment: PP3, PM1, PM3

Blueprint Genetics
Classification: Uncertain significance. Last evaluated: 2024-11-08. Review status: criteria provided, single submitter. Criteria: ACMG Guidelines, 2015. Collection method: clinical testing. Allele origin: germline.

Athena Diagnostics
Classification: Likely pathogenic. Last evaluated: 2024-01-26. Review status: criteria provided, single submitter. Criteria: Athena Diagnostics Criteria. Collection method: clinical testing. Allele origin: unknown.
Comment: The frequency of this variant in the general population is consistent with pathogenicity. This variant has been identified in at least one individual with clinical features associated with this gene. Assessment of experimental evidence suggests this variant results in abnormal protein function. (PMID: 19050041, 18248610, 16049031, 15816865, 14519684)

Labcorp Genetics (formerly Invitae), Labcorp
Classification: Uncertain significance. Last evaluated: 2022-10-14. Review status: criteria provided, single submitter. Criteria: Invitae Variant Classification Sherloc (09022015). Collection method: clinical testing. Allele origin: germline.
Comment: This sequence change replaces arginine, which is basic and polar, with cysteine, which is neutral and slightly polar, at codon 256 of the PARK2 protein (p.Arg256Cys). This variant is present in population databases (rs150562946, gnomAD 0.06%), and has an allele count higher than expected for a pathogenic variant. This missense change has been observed in individual(s) with early- and late-onset Parkinson disease (PMID: 10072423, 12116199, 12730996, 12764050, 16367892, 19405094, 19636047, 32870915). In at least one individual the data is consistent with being in trans (on the opposite chromosome) from a pathogenic variant. This variant is also known as 867C>T. ClinVar contains an entry for this variant (Variation ID: 574874). Advanced modeling of protein sequence and biophysical properties (such as structural, functional, and spatial information, amino acid conservation, physicochemical variation, residue mobility, and thermodynamic stability) has been performed at Invitae for this missense variant, however the output from this modeling did not meet the statistical confidence thresholds required to predict the impact of this variant on PARK2 protein function. Experimental studies have shown that this missense change affects PARK2 function (PMID: 14519684, 16049031, 16714300, 25591737, 25939424). In summary, the available evidence is currently insufficient to determine the role of this variant in disease. Therefore, it has been classified as a Variant of Uncertain Significance.

Institute for Clinical Genetics, University Hospital TU Dresden, University Hospital TU Dresden
Classification: Uncertain significance. Last evaluated: 2021-11-03. Review status: criteria provided, single submitter. Criteria: ACMG Guidelines, 2015. Collection method: clinical testing. Allele origin: germline.

CeGaT Center for Human Genetics Tuebingen
Classification: Uncertain significance. Last evaluated: 2019-09-01. Review status: criteria provided, single submitter. Criteria: CeGaT Center For Human Genetics Tuebingen Variant Classification Criteria Version 2. Collection method: clinical testing. Allele origin: germline. Affected: yes. Observed: 1 variant allele.

Illumina Laboratory Services, Illumina
Classification: Uncertain significance for Autosomal recessive juvenile Parkinson disease 2. Last evaluated: 2017-04-27. Review status: criteria provided, single submitter. Criteria: ICSL Variant Classification Criteria 13 December 2019. Collection method: clinical testing. Allele origin: germline.
Comment: This variant was observed as part of a predisposition screen in an ostensibly healthy population. A literature search was performed for the gene, cDNA change, and amino acid change (where applicable). Publications were found based on this search. However, the evidence from the literature, in combination with allele frequency data from public databases where available, was not sufficient to rule this variant in or out of causing disease. Therefore, this variant is classified as a variant of unknown significance.

Clinical Genetics DNA and cytogenetics Diagnostics Lab, Erasmus MC, Erasmus Medical Center
Classification: Uncertain significance. Review status: no assertion criteria provided. Collection method: clinical testing. Allele origin: germline. Affected: yes. Study: VKGL Data-share Consensus. Not counted in ClinVar's aggregate classification.

Genome Diagnostics Laboratory, Amsterdam University Medical Center
Classification: Uncertain significance. Review status: no assertion criteria provided. Collection method: clinical testing. Allele origin: germline. Affected: yes. Study: VKGL Data-share Consensus. Not counted in ClinVar's aggregate classification.

Literature cited by the submitters: PubMed 30994895 (cited by Women's Health and Genetics/Laboratory Corporation of America, LabCorp and Mayo Clinic Laboratories, Mayo Clinic); PubMed 25939424 (cited by 4 submitters); PubMed 16049031 (cited by 4 submitters); PubMed 19636047 (cited by 5 submitters); PubMed 10072423 (cited by 4 submitters); PubMed 14519684 (cited by 5 submitters); PubMed 12730996 (cited by 4 submitters); PubMed 11971093 (cited by Mayo Clinic Laboratories, Mayo Clinic and Illumina Laboratory Services, Illumina); PubMed 12116199 (cited by Mayo Clinic Laboratories, Mayo Clinic and Labcorp Genetics (formerly Invitae), Labcorp); PubMed 12588799 (cited by Mayo Clinic Laboratories, Mayo Clinic and Athena Diagnostics); PubMed 12764050 (cited by 3 submitters); PubMed 14639672 (cited by Mayo Clinic Laboratories, Mayo Clinic); PubMed 15816865 (cited by Mayo Clinic Laboratories, Mayo Clinic and Athena Diagnostics); PubMed 15823482 (cited by 3 submitters); PubMed 16367892 (cited by 4 submitters); PubMed 16714300 (cited by 3 submitters); PubMed 17766365 (cited by 3 submitters); PubMed 18248610 (cited by Mayo Clinic Laboratories, Mayo Clinic and Athena Diagnostics); PubMed 19050041 (cited by Mayo Clinic Laboratories, Mayo Clinic and Athena Diagnostics); PubMed 19405094 (cited by 3 submitters); PubMed 19801972 (cited by Mayo Clinic Laboratories, Mayo Clinic); PubMed 20558392 (cited by Mayo Clinic Laboratories, Mayo Clinic and Athena Diagnostics); PubMed 29887346 (cited by Mayo Clinic Laboratories, Mayo Clinic and Athena Diagnostics); PubMed 32870915 (cited by 3 submitters); PubMed 33045815 (cited by Mayo Clinic Laboratories, Mayo Clinic); PubMed 34434164 (cited by Mayo Clinic Laboratories, Mayo Clinic and Athena Diagnostics); PubMed 38173558 (cited by Mayo Clinic Laboratories, Mayo Clinic and Athena Diagnostics); PubMed 39117722 (cited by Mayo Clinic Laboratories, Mayo Clinic); PubMed 32970363 (cited by Athena Diagnostics); PubMed 25591737 (cited by Labcorp Genetics (formerly Invitae), Labcorp).

NM_004562.3(PRKN):c.766C>T (p.Arg256Cys)

Gene: PRKN (parkin RBR E3 ubiquitin protein ligase; minus strand). Cytogenetic location: 6q26.
Variant type: single nucleotide variant.
Coding change: c.766C>T on transcript NM_004562.3 (MANE Select); coding-DNA position 766, C replaced by T.
Protein change: p.Arg256Cys; replaces arginine 256 with cysteine.
Molecular consequence: missense variant.
Genome position (GRCh38, 1-based): chr6:161,785,877, G>A on the plus strand (C>T on the coding strand, the complement: PRKN is on the minus strand). VCF-style: chr6-161785877-G-A. GRCh37 (hg19) VCF-style: chr6-162206909-G-A.
Other names: p.Arg256Cys; c.682C>T, p.Arg228Cys (NM_013987.3); c.319C>T, p.Arg107Cys (NM_013988.3); short protein forms R256C, R107C, R228C.
Identifiers: ClinVar variation 574874 (VCV000574874.53), dbSNP rs150562946, ClinGen allele CA4090232.